The following is an entry in ClinVar:

NM_020843.4(SCAPER):c.2646-9del

Gene: SCAPER (S-phase cyclin A associated protein in the ER; minus strand). Cytogenetic location: 15q24.3.
Variant type: Deletion.
Coding change: c.2646-9del on transcript NM_020843.4 (MANE Select); 9 bases into the intron before coding-DNA position 2646, one base deleted (T; older notation c.2646-9delT).
Molecular consequence: intron variant.
Genome position (GRCh38, 1-based): chr15:76,621,838, A deleted on the plus strand (T on the coding strand, the reverse complement: SCAPER is on the minus strand); the first of 7 consecutive A bases (chr15:76,621,838-76,621,844); deleting any one gives the same sequence. VCF-style (leftmost placement, unchanged base first): chr15-76621837-GA-G. GRCh37 (hg19) VCF-style: chr15-76914178-GA-G.
Other names: c.2664-9delT (NM_001353009.1); c.2262-9del (NM_001353011.2); c.2244-9del (NM_001353012.2, NM_001353010.2); c.2664-9del (NM_001353009.2); c.1908-9del (NM_001145923.2).
Identifiers: ClinVar variation 4277646 (VCV004277646.3).
Genomic context (GRCh38, chr15:76,621,837, plus strand): 5'-GTGAATCAGAGCCAGAATTTTTGGTTTCCATTAAACTCTCATATTCCTTAGCCCTGAAGA[GA>G]AAAAAAGTTTTAACACAGTTATTTCACTGCTAATTTTTATAATAAACCAAAATGTTGGCT-3'

ClinVar aggregate classification (germline): Conflicting classifications of pathogenicity. Review status: criteria provided, conflicting classifications (1 of 4 stars). 3 submissions from 3 submitters: Uncertain significance (1); Likely benign (2). Last evaluated 2026-04-03.

Conditions:
Intellectual developmental disorder and retinitis pigmentosa; IDDRP. Also called: INTELLECTUAL DEVELOPMENTAL DISORDER AND RETINITIS PIGMENTOSA. Identifiers: MedGen C4748658, MONDO:0032594, OMIM 618195.
SCAPER-related disorder. Also called: SCAPER-related condition.

Submissions (3):

PreventionGenetics, part of Exact Sciences
Classification: Likely benign for SCAPER-related condition. Last evaluated: 2026-04-03. Review status: criteria provided, single submitter. Criteria: ACMG Guidelines, 2015. Collection method: clinical testing. Allele origin: germline.
Comment: This variant is classified as likely benign based on ACMG/AMP sequence variant interpretation guidelines (Richards et al. 2015 PMID: 25741868, with internal and published modifications).

Genomic Medicine Center of Excellence, King Faisal Specialist Hospital and Research Centre
Classification: Uncertain significance for Intellectual developmental disorder and retinitis pigmentosa; IDDRP. Last evaluated: 2025-09-10. Review status: criteria provided, single submitter. Criteria: ACMG Guidelines, 2015. Collection method: clinical testing. Allele origin: germline.

Blueprint Genetics
Classification: Likely benign. Last evaluated: 2021-06-24. Review status: criteria provided, single submitter. Criteria: ACMG Guidelines, 2015. Collection method: clinical testing. Allele origin: germline.